The following is an entry in ClinVar:

NM_000552.5(VWF):c.2694C>T (p.Cys898=)

Gene: VWF (von Willebrand factor; minus strand). Cytogenetic location: 12p13.31.
Variant type: single nucleotide variant.
Coding change: c.2694C>T on transcript NM_000552.5 (MANE Select); coding-DNA position 2694, C replaced by T.
Protein change: p.Cys898=; no amino-acid change (cysteine 898 retained).
Molecular consequence: synonymous variant.
Genome position (GRCh38, 1-based): chr12:6,031,570, G>A on the plus strand (C>T on the coding strand, the complement: VWF is on the minus strand). VCF-style: chr12-6031570-G-A. GRCh37 (hg19) VCF-style: chr12-6140736-G-A.
Other names: c.2694C>T (NM_000552.4).
Identifiers: ClinVar variation 1335095 (VCV001335095.28), dbSNP rs201892996, ClinGen allele CA6402976.
Genomic context (GRCh38, chr12:6,031,570, plus strand): 5'-TGAGGGGTGGCTGCATCCCTTATTCCCCACTAGGATCCGAAAGGTCCCAGGGTTACTGCC[G>A]CAGTAATCCTGGGGAAAGAGGAGTGCCAGGAGAAGACCATTATCCCCACTGGCTCTCACC-3'
Protein context (NP_000543.3, residues 888-908): ECQYVLVQDY[Cys898=]GSNPGTFRIL

ClinVar aggregate classification (germline): Likely benign. Review status: criteria provided, single submitter (1 of 4 stars). 2 submissions from 2 submitters: Likely benign (1). 1 of the submissions does not count toward it. Last evaluated 2022-08-01.

Allele frequency attached by ClinVar (database versions not stated): 1000 Genomes Project 30x 0.00031; gnomAD exomes 0.00004; gnomAD 0.00006; ExAC 0.00009; TOPMed 0.00011; 1000 Genomes Project 0.00020.
gnomAD v4.1: 76 of 1,614,018 alleles (0.0047%); highest among the groups gnomAD compares: East Asian, 0.1%; no homozygotes.

Submissions (2):

CeGaT Center for Human Genetics Tuebingen
Classification: Likely benign. Last evaluated: 2022-08-01. Review status: criteria provided, single submitter. Criteria: CeGaT Center For Human Genetics Tuebingen Variant Classification Criteria Version 2. Collection method: clinical testing. Allele origin: germline. Affected: yes. Observed: 1 variant allele.
Comment: VWF: BP4, BP7

Genetic Services Laboratory, University of Chicago
Classification: Likely benign. Last evaluated: 2022-09-28. Review status: no assertion criteria provided. Collection method: clinical testing. Allele origin: germline. Affected: no. Not counted in ClinVar's aggregate classification.